The following is an entry in ClinVar:

NM_001378454.1(ALMS1):c.8751C>A (p.Asp2917Glu)

Gene: ALMS1 (ALMS1 centrosome and basal body associated protein; plus strand). Cytogenetic location: 2p13.1.
Variant type: single nucleotide variant.
Coding change: c.8751C>A on transcript NM_001378454.1 (MANE Select); coding-DNA position 8751, C replaced by A.
Protein change: p.Asp2917Glu; replaces aspartic acid 2917 with glutamic acid.
Molecular consequence: missense variant.
Genome position (GRCh38, 1-based): chr2:73,490,710, C>A. VCF-style: chr2-73490710-C-A. GRCh37 (hg19) VCF-style: chr2-73717837-C-A.
Other names: c.8754C>A, p.Asp2918Glu (NM_015120.4); short protein forms D2917E, D2918E.
Identifiers: ClinVar variation 2564329 (VCV002564329.2), dbSNP rs577388677, ClinGen allele CA347270390.
Genomic context (GRCh38, chr2:73,490,710, plus strand): 5'-TGACCATGTGAGGAAACACCATTCTCCCTCTCCTCAACATCAGGATTATGTAGCTCCAGA[C>A]CTTCCTTCTTGCATTTTTCTTGAACAACGAGAACTCTTTGAACAGTGCAAAGCCCCATAT-3'
Protein context (NP_001365383.1, residues 2907-2927): SPQHQDYVAP[Asp2917Glu]LPSCIFLEQR

ClinVar aggregate classification (germline): Uncertain significance (1 of 4 stars; one submission).

Conditions:
Cardiovascular phenotype. Identifiers: MedGen CN230736.

Allele frequency attached by ClinVar (database versions not stated): gnomAD exomes below 0.00001.
gnomAD v4.1: 1 of 1,613,900 alleles (0.000062%); highest among the groups gnomAD compares: Non-Finnish European, 0.000085%; no homozygotes.

Submission:

Ambry Genetics
Classification: Uncertain significance for Cardiovascular phenotype. Last evaluated: 2023-04-03. Review status: criteria provided, single submitter. Criteria: Ambry Variant Classification Scheme 2023. Collection method: clinical testing. Allele origin: germline.
Comment: The p.D2918E variant (also known as c.8754C>A), located in coding exon 10 of the ALMS1 gene, results from a C to A substitution at nucleotide position 8754. The aspartic acid at codon 2918 is replaced by glutamic acid, an amino acid with highly similar properties. This amino acid position is poorly conserved in available vertebrate species. In addition, this alteration is predicted to be tolerated by in silico analysis. Since supporting evidence is limited at this time, the clinical significance of this alteration remains unclear.